The following is an entry in ClinVar:

NM_001329943.3(KIAA0586):c.4027C>T (p.Gln1343Ter)

Gene: KIAA0586 (KIAA0586; plus strand). Cytogenetic location: 14q23.1.
Variant type: single nucleotide variant.
Coding change: c.4027C>T on transcript NM_001329943.3 (MANE Select); coding-DNA position 4027, C replaced by T.
Protein change: p.Gln1343Ter; replaces glutamine 1343 with a stop codon.
Molecular consequence: nonsense.
Genome position (GRCh38, 1-based): chr14:58,498,819, C>T. VCF-style: chr14-58498819-C-T. GRCh37 (hg19) VCF-style: chr14-58965537-C-T.
Other names: c.4186C>T, p.Gln1396Ter (NM_001244189.2); c.3982C>T, p.Gln1328Ter (NM_001244190.2); c.3772C>T, p.Gln1258Ter (NM_001244191.2, NM_001329945.2, NM_001364700.1 and 1 more transcripts); c.3895C>T, p.Gln1299Ter (NM_001244192.2, NM_001329947.2); c.3607C>T, p.Gln1203Ter (NM_001244193.2); c.4027C>T, p.Gln1343Ter (NM_001329944.2, NM_001329946.2); c.3799C>T, p.Gln1267Ter (NM_014749.5); short protein forms Q1267*, Q1396*, Q1299*, Q1258*, Q1328*, Q1203*, Q1343*.
Identifiers: ClinVar variation 620387 (VCV000620387.2), dbSNP rs1566903524, ClinGen allele CA389885507.
Genomic context (GRCh38, chr14:58,498,819, plus strand): 5'-AACAATTGTTTCTGCTTTTTAAAGGACTTGGAAAACAGTGTGGGTGAACTTAGTGAAGGA[C>T]AAAGACCCCAGCTAACAGCGGCAGCAGAGAACATCTTAATGGGACATTCTCTCTATATGC-3'

ClinVar aggregate classification (germline): Likely pathogenic. Review status: criteria provided, multiple submitters, no conflicts (2 of 4 stars). 2 submissions from 2 submitters: Likely pathogenic (2). Last evaluated 2020-03-13.

Conditions:
Joubert syndrome 23 (JBTS23). Identifiers: Orphanet 475, MedGen C4084822, MONDO:0014664, OMIM 616490.
Short-rib thoracic dysplasia 14 with polydactyly (SRTD14). Identifiers: Orphanet 397715, MedGen C4225286, MONDO:0014688, OMIM 616546.

Allele frequency attached by ClinVar (database versions not stated): gnomAD 0.00001.

Submissions (2):

Johns Hopkins Genomics, Johns Hopkins University
Classification: Likely pathogenic for Joubert syndrome 23; Short-rib thoracic dysplasia 14 with polydactyly. Last evaluated: 2020-03-13. Review status: criteria provided, single submitter. Criteria: ACMG Guidelines, 2015. Collection method: clinical testing. Allele origin: germline.
Comment: This KIAA0586 variant is absent from a large population dataset and has not been reported in the literature, to our knowledge. A single submitter in ClinVar classifies this variant as likely pathogenic. This nonsense variant results in a premature stop codon in exon 29 of 34 likely leading to nonsense-mediated decay and lack of protein production. We consider this variant to be likely pathogenic.

GeneDx
Classification: Likely pathogenic. Last evaluated: 2018-10-02. Review status: criteria provided, single submitter. Criteria: GeneDx Variant Classification (06012015). Collection method: clinical testing. Allele origin: germline. Affected: yes.
Comment: The Q1396X variant in the KIAA0586 gene has not been reported previously as a pathogenic variant nor as a benign variant, to our knowledge. This variant is predicted to cause loss of normal protein function either through protein truncation or nonsense-mediated mRNA decay. The Q1396X variant is not observed in large population cohorts (Lek et al., 2016). We interpret Q1396X as a likely pathogenic variant.